The following is an entry in ClinVar:

ClinVar aggregate classification (germline): Likely benign. Review status: criteria provided, multiple submitters, no conflicts (2 of 4 stars). 3 submissions from 3 submitters: Likely benign (3). Last evaluated 2026-01-26.

Conditions:
HYPERHOMOCYSTEINEMIA, THROMBOTIC, CBS-RELATED. Identifiers: MedGen C3150344, OMIM 236200.

Allele frequency attached by ClinVar (database versions not stated): ESP Exome Variant Server 0.00063; 1000 Genomes Project 0.00080.

Submissions (3):

Labcorp Genetics (formerly Invitae), Labcorp
Classification: Likely benign for HYPERHOMOCYSTEINEMIA, THROMBOTIC, CBS-RELATED. Last evaluated: 2026-01-26. Review status: criteria provided, single submitter. Criteria: Invitae Variant Classification Sherloc (09022015). Collection method: clinical testing. Allele origin: germline.

Women's Health and Genetics/Laboratory Corporation of America, LabCorp
Classification: Likely benign. Last evaluated: 2023-10-29. Review status: criteria provided, single submitter. Criteria: LabCorp Variant Classification Summary - May 2015. Collection method: clinical testing. Allele origin: germline.

GeneDx
Classification: Likely benign. Last evaluated: 2017-04-20. Review status: criteria provided, single submitter. Criteria: GeneDx Variant Classification (06012015). Collection method: clinical testing. Allele origin: germline. Affected: yes.
Comment: This variant is considered likely benign or benign based on one or more of the following criteria: it is a conservative change, it occurs at a poorly conserved position in the protein, it is predicted to be benign by multiple in silico algorithms, and/or has population frequency not consistent with disease.

NM_000071.3(CBS):c.1358+15C>A

Gene: CBS (cystathionine beta-synthase; minus strand). Cytogenetic location: 21q22.3.
Variant type: single nucleotide variant.
Coding change: c.1358+15C>A on transcript NM_000071.3 (MANE Select); 15 bases into the intron after coding-DNA position 1358, C replaced by A.
Molecular consequence: intron variant.
Genome position (GRCh38, 1-based): chr21:43,058,819, G>T on the plus strand (C>A on the coding strand, the complement: CBS is on the minus strand). VCF-style: chr21-43058819-G-T. GRCh37 (hg19) VCF-style: chr21-44478929-G-T.
Other names: c.1358+15C>A (NM_001320298.2, NM_001178009.3, NM_001178008.3); c.1043+15C>A (NM_001321072.1).
Identifiers: ClinVar variation 516432 (VCV000516432.9), dbSNP rs186497436, ClinGen allele CA321687954.